The following is an entry in ClinVar:

ClinVar aggregate classification (germline): Uncertain significance (1 of 4 stars; one submission).

gnomAD v4.1: 1 of 1,614,146 alleles (0.000062%); highest among the groups gnomAD compares: East Asian, 0.0022%; no homozygotes.

Submission:

GeneDx
Classification: Uncertain significance. Last evaluated: 2025-03-10. Review status: criteria provided, single submitter. Criteria: GeneDx Variant Classification Process June 2021. Collection method: clinical testing. Allele origin: germline. Affected: yes.
Comment: Not observed at significant frequency in large population cohorts (gnomAD); In silico analysis supports that this missense variant has a deleterious effect on protein structure/function; Has not been previously published as pathogenic or benign to our knowledge

NM_002474.3(MYH11):c.3053A>G (p.Glu1018Gly)

Gene: MYH11 (myosin heavy chain 11; minus strand). Cytogenetic location: 16p13.11.
Variant type: single nucleotide variant.
Coding change: c.3053A>G on transcript NM_002474.3 (MANE Select); coding-DNA position 3053, A replaced by G.
Protein change: p.Glu1018Gly; replaces glutamic acid 1018 with glycine.
Molecular consequence: missense variant.
Genome position (GRCh38, 1-based): chr16:15,738,633, T>C on the plus strand (A>G on the coding strand, the complement: MYH11 is on the minus strand). VCF-style: chr16-15738633-T-C. GRCh37 (hg19) VCF-style: chr16-15832490-T-C.
Other names: c.3074A>G, p.Glu1025Gly (NM_001040113.2, NM_001040114.2); c.3053A>G, p.Glu1018Gly (NM_022844.3); short protein forms E1018G, E1025G.
Identifiers: ClinVar variation 4082891 (VCV004082891.1).